The following is an entry in ClinVar:

ClinVar aggregate classification (germline): Uncertain significance (1 of 4 stars; one submission).

gnomAD v4.1: 1 of 1,614,212 alleles (0.000062%); highest among the groups gnomAD compares: African/African-American, 0.0013%; no homozygotes.

Submission:

Labcorp Genetics (formerly Invitae), Labcorp
Classification: Uncertain significance. Last evaluated: 2025-10-23. Review status: criteria provided, single submitter. Criteria: Invitae Variant Classification Sherloc (09022015). Collection method: clinical testing. Allele origin: germline.
Comment: This sequence change replaces aspartic acid, which is acidic and polar, with asparagine, which is neutral and polar, at codon 335 of the APOA4 protein (p.Asp335Asn). This variant is not present in population databases (gnomAD no frequency). This variant has not been reported in the literature in individuals affected with APOA4-related conditions. Invitae Evidence Modeling of protein sequence and biophysical properties (such as structural, functional, and spatial information, amino acid conservation, physicochemical variation, residue mobility, and thermodynamic stability) indicates that this missense variant is not expected to disrupt APOA4 protein function with a negative predictive value of 80%. In summary, the available evidence is currently insufficient to determine the role of this variant in disease. Therefore, it has been classified as a Variant of Uncertain Significance.

NM_000482.4(APOA4):c.1003G>A (p.Asp335Asn)

Gene: APOA4 (apolipoprotein A4; minus strand). Cytogenetic location: 11q23.3.
Variant type: single nucleotide variant.
Coding change: c.1003G>A on transcript NM_000482.4 (MANE Select); coding-DNA position 1003, G replaced by A.
Protein change: p.Asp335Asn; replaces aspartic acid 335 with asparagine.
Molecular consequence: missense variant.
Genome position (GRCh38, 1-based): chr11:116,821,055, C>T on the plus strand (G>A on the coding strand, the complement: APOA4 is on the minus strand). VCF-style: chr11-116821055-C-T. GRCh37 (hg19) VCF-style: chr11-116691771-C-T.
Other names: short protein forms D335N.
Identifiers: ClinVar variation 4767139 (VCV004767139.1).
Genomic context (GRCh38, chr11:116,821,055, plus strand): 5'-AGAAGGAGTTGACCTTGTCCCTCAGGTCCTTCTCCAGGAAGCTCAAGTGGCCTTCCACGT[C>T]CCCCGCATGGGGGCCCAGTTTCTGCCTGAGCTGTTCCATCTGCTGCACCAGGGCTTTGTT-3'
Protein context (NP_000473.2, residues 325-345): LRQKLGPHAG[Asp335Asn]VEGHLSFLEK